The following is an entry in ClinVar:

ClinVar aggregate classification (germline): Uncertain significance (1 of 4 stars; one submission).

Conditions:
Severe combined immunodeficiency, autosomal recessive, T cell-negative, B cell-negative, NK cell-positive. Also called: SCID, T CELL-NEGATIVE, B CELL-NEGATIVE, NK CELL-POSITIVE; Severe combined immunodeficiency due to complete RAG1/2 deficiency; SCID, AR, T-cell negative, B-cell negative, NK cell-positive. Identifiers: Orphanet 331206, MedGen C1832322, MONDO:0011086, OMIM 601457.
Combined immunodeficiency with skin granulomas. Identifiers: Orphanet 157949, MedGen C2673536, MONDO:0009306, OMIM 233650.

Submission:

Labcorp Genetics (formerly Invitae), Labcorp
Classification: Uncertain significance for Combined immunodeficiency with skin granulomas; Severe combined immunodeficiency, autosomal recessive, T cell-negative, B cell-negative, NK cell-positive. Last evaluated: 2023-08-04. Review status: criteria provided, single submitter. Criteria: Invitae Variant Classification Sherloc (09022015). Collection method: clinical testing. Allele origin: germline.
Comment: This variant has not been reported in the literature in individuals affected with RAG2-related conditions. This variant is not present in population databases (gnomAD no frequency). This sequence change replaces aspartic acid, which is acidic and polar, with tyrosine, which is neutral and polar, at codon 306 of the RAG2 protein (p.Asp306Tyr). ClinVar contains an entry for this variant (Variation ID: 2190098). Advanced modeling of protein sequence and biophysical properties (such as structural, functional, and spatial information, amino acid conservation, physicochemical variation, residue mobility, and thermodynamic stability) performed at Invitae indicates that this missense variant is expected to disrupt RAG2 protein function. In summary, the available evidence is currently insufficient to determine the role of this variant in disease. Therefore, it has been classified as a Variant of Uncertain Significance.

NM_000536.4(RAG2):c.916G>T (p.Asp306Tyr)

Gene: RAG2 (recombination activating 2; minus strand). Cytogenetic location: 11p12.
Variant type: single nucleotide variant.
Coding change: c.916G>T on transcript NM_000536.4 (MANE Select); coding-DNA position 916, G replaced by T.
Protein change: p.Asp306Tyr; replaces aspartic acid 306 with tyrosine.
Molecular consequence: missense variant.
Genome position (GRCh38, 1-based): chr11:36,593,253, C>A on the plus strand (G>T on the coding strand, the complement: RAG2 is on the minus strand). VCF-style: chr11-36593253-C-A. GRCh37 (hg19) VCF-style: chr11-36614803-C-A.
Other names: c.916G>T, p.Asp306Tyr (NM_001243785.2, NM_001243786.2); short protein forms D306Y.
Identifiers: ClinVar variation 2190098 (VCV002190098.3), dbSNP rs2494792195, ClinGen allele CA380141802.
Genomic context (GRCh38, chr11:36,593,253, plus strand): 5'-TTCCATTTCCCATGTTGCTTCCAAACCATATCTTGCTGTGCTTAATGTCTGGGGTCCAAT[C>A]TGGGGTCTCCATCTCACGAATTTCTATCTTGTTGTCCTCTAAAGAGATGATGTTGCAGAT-3'
Protein context (NP_000527.2, residues 296-316): KIEIREMETP[Asp306Tyr]WTPDIKHSKI